The following is an entry in ClinVar:

NM_005157.6(ABL1):c.1418G>A (p.Arg473Gln)

Gene: ABL1 (ABL proto-oncogene 1, non-receptor tyrosine kinase; plus strand). Cytogenetic location: 9q34.12.
Variant type: single nucleotide variant.
Coding change: c.1418G>A on transcript NM_005157.6 (MANE Select); coding-DNA position 1418, G replaced by A.
Protein change: p.Arg473Gln; replaces arginine 473 with glutamine.
Molecular consequence: missense variant.
Genome position (GRCh38, 1-based): chr9:130,878,562, G>A. VCF-style: chr9-130878562-G-A. GRCh37 (hg19) VCF-style: chr9-133753949-G-A.
Other names: c.1475G>A, p.Arg492Gln (NM_007313.3); short protein forms R473Q, R492Q.
Identifiers: ClinVar variation 133453 (VCV000133453.16), dbSNP rs62638716, ClinGen allele CA156569.
Genomic context (GRCh38, chr9:130,878,562, plus strand): 5'-AGAAGGACTACCGCATGGAGCGCCCAGAAGGCTGCCCAGAGAAGGTCTATGAACTCATGC[G>A]AGCATGTAAGCCTTCCTCAGCCTGTTCTCACGAGTATATGTGGGCATTCCAGGAAATTCA-3'
Protein context (NP_005148.2, residues 463-483): GCPEKVYELM[Arg473Gln]ACWQWNPSDR

ClinVar aggregate classification (germline): Benign/Likely benign. Review status: criteria provided, multiple submitters, no conflicts (2 of 4 stars). 6 submissions from 6 submitters: Benign (2); Likely benign (3). 1 of the submissions does not count toward it. Last evaluated 2026-06-01.

Conditions:
ABL1-related disorder. Also called: ABL1-related condition.
Inborn genetic diseases. Identifiers: MedGen C0950123, MeSH D030342.

Allele frequency attached by ClinVar (database versions not stated): gnomAD exomes 0.00026 and 0.00063; ExAC 0.00084; gnomAD 0.00284 and 0.00308; ESP Exome Variant Server 0.00300; TOPMed 0.00302; 1000 Genomes Project 0.00319; 1000 Genomes Project 30x 0.00328.
gnomAD v4.1: 817 of 1,614,130 alleles (0.051%); highest among the groups gnomAD compares: African/African-American, 0.96%; 3 homozygotes.

Submissions (6):

CeGaT Center for Human Genetics Tuebingen
Classification: Likely benign. Last evaluated: 2026-06-01. Review status: criteria provided, single submitter. Criteria: CeGaT Center For Human Genetics Tuebingen Variant Classification Criteria Version 2. Collection method: clinical testing. Allele origin: germline. Affected: yes. Observed: 1 variant allele.
Comment: ABL1: BP4, BS2

Labcorp Genetics (formerly Invitae), Labcorp
Classification: Benign. Last evaluated: 2026-01-23. Review status: criteria provided, single submitter. Criteria: Invitae Variant Classification Sherloc (09022015). Collection method: clinical testing. Allele origin: germline.

PreventionGenetics, part of Exact Sciences
Classification: Likely benign for ABL1-related condition. Last evaluated: 2025-03-05. Review status: criteria provided, single submitter. Criteria: ACMG Guidelines, 2015. Collection method: clinical testing. Allele origin: germline.
Comment: This variant is classified as likely benign based on ACMG/AMP sequence variant interpretation guidelines (Richards et al. 2015 PMID: 25741868, with internal and published modifications).

Ambry Genetics
Classification: Likely benign for Inborn genetic diseases. Last evaluated: 2024-08-05. Review status: criteria provided, single submitter. Criteria: Ambry Variant Classification Scheme 2023. Collection method: clinical testing. Allele origin: germline.

Breakthrough Genomics
Classification: Benign. Review status: criteria provided, single submitter. Criteria: ACMG Guidelines, 2015. Collection method: not provided. Allele origin: germline. Inheritance: Autosomal dominant inheritance. Affected: yes.

ITMI
No classification provided. Condition: AllHighlyPenetrant. Last evaluated: 2013-09-19. Review status: no classification provided. Collection method: reference population. Allele origin: germline. Not counted in ClinVar's aggregate classification.
Comment: Please see associated publication for description of ethnicities

Literature cited by the submitters: PubMed 24728327 (cited by ITMI).